The following is an entry in ClinVar:

NM_001134831.2(AHI1):c.428C>T (p.Pro143Leu)

Gene: AHI1 (Abelson helper integration site 1; minus strand). Cytogenetic location: 6q23.3.
Variant type: single nucleotide variant.
Coding change: c.428C>T on transcript NM_001134831.2 (MANE Select); coding-DNA position 428, C replaced by T.
Protein change: p.Pro143Leu; replaces proline 143 with leucine.
Molecular consequence: missense variant.
Genome position (GRCh38, 1-based): chr6:135,466,135, G>A on the plus strand (C>T on the coding strand, the complement: AHI1 is on the minus strand). VCF-style: chr6-135466135-G-A. GRCh37 (hg19) VCF-style: chr6-135787273-G-A.
Other names: c.428C>T, p.Pro143Leu (NM_001134830.2, NM_001134832.2, NM_001350503.2 and 2 more transcripts); short protein forms P143L.
Identifiers: ClinVar variation 860016 (VCV000860016.10), dbSNP rs192524061, ClinGen allele CA365751692.

ClinVar aggregate classification (germline): Conflicting classifications of pathogenicity. Review status: criteria provided, conflicting classifications (1 of 4 stars). 4 submissions from 4 submitters: Uncertain significance (3); Likely benign (1). Last evaluated 2024-03-08.

Conditions:
Inborn genetic diseases. Identifiers: MedGen C0950123, MeSH D030342.
Joubert syndrome 3 (JBTS3). Also called: AHI1-related Ciliopathy. Identifiers: Orphanet 220493, MedGen C1837713, MONDO:0012078, OMIM 608629.
Joubert syndrome. Also called: CEREBELLOPARENCHYMAL DISORDER IV; JOUBERT-BOLTSHAUSER SYNDROME; Familial aplasia of the vermis. Identifiers: Orphanet 475, MedGen C5979921, MONDO:0018772.

Allele frequency attached by ClinVar (database versions not stated): TOPMed 0.00003.
gnomAD v4.1: 15 of 1,613,650 alleles (0.00093%); highest among the groups gnomAD compares: Admixed American, 0.0083%; no homozygotes.

Submissions (4):

Ambry Genetics
Classification: Likely benign for Inborn genetic diseases. Last evaluated: 2024-03-08. Review status: criteria provided, single submitter. Criteria: Ambry Variant Classification Scheme 2023. Collection method: clinical testing. Allele origin: germline.

GeneDx
Classification: Uncertain significance. Last evaluated: 2023-11-13. Review status: criteria provided, single submitter. Criteria: GeneDx Variant Classification Process June 2021. Collection method: clinical testing. Allele origin: germline. Affected: yes.
Comment: Not observed at significant frequency in large population cohorts (gnomAD); In silico analysis supports that this missense variant does not alter protein structure/function; Has not been previously published as pathogenic or benign to our knowledge

Labcorp Genetics (formerly Invitae), Labcorp
Classification: Uncertain significance for Joubert syndrome. Last evaluated: 2022-09-06. Review status: criteria provided, single submitter. Criteria: Invitae Variant Classification Sherloc (09022015). Collection method: clinical testing. Allele origin: germline.
Comment: This sequence change replaces proline, which is neutral and non-polar, with leucine, which is neutral and non-polar, at codon 143 of the AHI1 protein (p.Pro143Leu). This variant is present in population databases (no rsID available, gnomAD 0.007%). This variant has not been reported in the literature in individuals affected with AHI1-related conditions. ClinVar contains an entry for this variant (Variation ID: 860016). Advanced modeling of protein sequence and biophysical properties (such as structural, functional, and spatial information, amino acid conservation, physicochemical variation, residue mobility, and thermodynamic stability) performed at Invitae indicates that this missense variant is not expected to disrupt AHI1 protein function. In summary, the available evidence is currently insufficient to determine the role of this variant in disease. Therefore, it has been classified as a Variant of Uncertain Significance.

Fulgent Genetics
Classification: Uncertain significance for Joubert syndrome 3. Last evaluated: 2022-01-28. Review status: criteria provided, single submitter. Criteria: ACMG Guidelines, 2015. Collection method: clinical testing. Allele origin: unknown.